The following is an entry in ClinVar:

ClinVar aggregate classification (germline): Uncertain significance. Review status: criteria provided, multiple submitters, no conflicts (2 of 4 stars). 2 submissions from 2 submitters: Uncertain significance (2). Last evaluated 2023-11-06.

Submissions (2):

Labcorp Genetics (formerly Invitae), Labcorp
Classification: Uncertain significance. Last evaluated: 2023-11-06. Review status: criteria provided, single submitter. Criteria: Invitae Variant Classification Sherloc (09022015). Collection method: clinical testing. Allele origin: germline.
Comment: This sequence change replaces alanine, which is neutral and non-polar, with glycine, which is neutral and non-polar, at codon 85 of the TTPA protein (p.Ala85Gly). This variant is not present in population databases (gnomAD no frequency). This variant has not been reported in the literature in individuals affected with TTPA-related conditions. ClinVar contains an entry for this variant (Variation ID: 1319454). Advanced modeling of protein sequence and biophysical properties (such as structural, functional, and spatial information, amino acid conservation, physicochemical variation, residue mobility, and thermodynamic stability) performed at Invitae indicates that this missense variant is not expected to disrupt TTPA protein function with a negative predictive value of 80%. In summary, the available evidence is currently insufficient to determine the role of this variant in disease. Therefore, it has been classified as a Variant of Uncertain Significance.

Institute for Clinical Genetics, University Hospital TU Dresden, University Hospital TU Dresden
Classification: Uncertain significance. Last evaluated: 2021-11-03. Review status: criteria provided, single submitter. Criteria: ACMG Guidelines, 2015. Collection method: clinical testing. Allele origin: germline.

NM_000370.3(TTPA):c.254C>G (p.Ala85Gly)

Gene: TTPA (alpha tocopherol transfer protein; minus strand). Cytogenetic location: 8q12.3.
Variant type: single nucleotide variant.
Coding change: c.254C>G on transcript NM_000370.3 (MANE Select); coding-DNA position 254, C replaced by G.
Protein change: p.Ala85Gly; replaces alanine 85 with glycine.
Molecular consequence: missense variant.
Genome position (GRCh38, 1-based): chr8:63,073,039, G>C on the plus strand (C>G on the coding strand, the complement: TTPA is on the minus strand). VCF-style: chr8-63073039-G-C. GRCh37 (hg19) VCF-style: chr8-63985598-G-C.
Other names: short protein forms A85G.
Identifiers: ClinVar variation 1319454 (VCV001319454.9), dbSNP rs1805507111, ClinGen allele CA371333859.